The following is an entry in ClinVar:

NM_021620.4(PRDM13):c.1238C>T (p.Ala413Val)

Gene: PRDM13 (PR/SET domain 13; plus strand). Cytogenetic location: 6q16.2.
Variant type: single nucleotide variant.
Coding change: c.1238C>T on transcript NM_021620.4 (MANE Select); coding-DNA position 1238, C replaced by T.
Protein change: p.Ala413Val; replaces alanine 413 with valine.
Molecular consequence: missense variant.
Genome position (GRCh38, 1-based): chr6:99,613,873, C>T. VCF-style: chr6-99613873-C-T. GRCh37 (hg19) VCF-style: chr6-100061749-C-T.
Other names: short protein forms A413V.
Identifiers: ClinVar variation 3678646 (VCV003678646.2).

ClinVar aggregate classification (germline): Uncertain significance (1 of 4 stars; one submission).

Submission:

Labcorp Genetics (formerly Invitae), Labcorp
Classification: Uncertain significance. Last evaluated: 2024-07-14. Review status: criteria provided, single submitter. Criteria: Invitae Variant Classification Sherloc (09022015). Collection method: clinical testing. Allele origin: germline.
Comment: This sequence change replaces alanine, which is neutral and non-polar, with valine, which is neutral and non-polar, at codon 413 of the PRDM13 protein (p.Ala413Val). This variant is not present in population databases (gnomAD no frequency). This variant has not been reported in the literature in individuals affected with PRDM13-related conditions. An algorithm developed to predict the effect of missense changes on protein structure and function (PolyPhen-2) suggests that this variant is likely to be tolerated. In summary, the available evidence is currently insufficient to determine the role of this variant in disease. Therefore, it has been classified as a Variant of Uncertain Significance.